The following is an entry in ClinVar:

NM_000329.3(RPE65):c.1118A>G (p.Asn373Ser)

Gene: RPE65 (retinoid isomerohydrolase RPE65; minus strand). Cytogenetic location: 1p31.3.
Variant type: single nucleotide variant.
Coding change: c.1118A>G on transcript NM_000329.3 (MANE Select); coding-DNA position 1118, A replaced by G.
Protein change: p.Asn373Ser; replaces asparagine 373 with serine.
Molecular consequence: missense variant.
Genome position (GRCh38, 1-based): chr1:68,438,197, T>C on the plus strand (A>G on the coding strand, the complement: RPE65 is on the minus strand). VCF-style: chr1-68438197-T-C. GRCh37 (hg19) VCF-style: chr1-68903880-T-C.
Other names: short protein forms N373S.
Identifiers: ClinVar variation 1026603 (VCV001026603.8), dbSNP rs1645874179, ClinGen allele CA340744017.

ClinVar aggregate classification (germline): Uncertain significance (1 of 4 stars; one submission).

Conditions:
Retinitis pigmentosa 20 (RP20). Identifiers: Orphanet 791, MedGen C3151086, MONDO:0013425, OMIM 613794.
Leber congenital amaurosis 2 (LCA2). Also called: Autosomal Recessive RPE65-Related Retinal Degeneration; AMAUROSIS CONGENITA OF LEBER II. Identifiers: Orphanet 65, MedGen C1859844, MONDO:0008765, OMIM 204100. Disease mechanism: loss of function.

Submission:

Labcorp Genetics (formerly Invitae), Labcorp
Classification: Uncertain significance for Leber congenital amaurosis 2; Retinitis pigmentosa 20. Last evaluated: 2022-10-13. Review status: criteria provided, single submitter. Criteria: Invitae Variant Classification Sherloc (09022015). Collection method: clinical testing. Allele origin: germline.
Comment: Advanced modeling of protein sequence and biophysical properties (such as structural, functional, and spatial information, amino acid conservation, physicochemical variation, residue mobility, and thermodynamic stability) performed at Invitae indicates that this missense variant is not expected to disrupt RPE65 protein function. This sequence change replaces asparagine, which is neutral and polar, with serine, which is neutral and polar, at codon 373 of the RPE65 protein (p.Asn373Ser). This variant is not present in population databases (gnomAD no frequency). This variant has not been reported in the literature in individuals affected with RPE65-related conditions. ClinVar contains an entry for this variant (Variation ID: 1026603). In summary, the available evidence is currently insufficient to determine the role of this variant in disease. Therefore, it has been classified as a Variant of Uncertain Significance.